The following is an entry in ClinVar:

ClinVar aggregate classification (germline): Pathogenic. Review status: criteria provided, multiple submitters, no conflicts (2 of 4 stars). 4 submissions from 4 submitters: Pathogenic (3). 1 of the submissions does not count toward it. Last evaluated 2025-08-12.

Conditions:
LPL-related disorder. Also called: LPL-related condition.
Cardiovascular phenotype. Identifiers: MedGen CN230736.
Hyperlipoproteinemia, type I. Also called: Lipase D deficiency; Lipoprotein Lipase Deficiency; Familial Lipoprotein Lipase Deficiency; Hyperlipoproteinemia type 1; Hyperchylomicro-nemia familial; Familial chylomicronemia. Identifiers: Orphanet 309015, Orphanet 444490, MedGen C0023817, MONDO:0009387, OMIM 238600. Disease mechanism: loss of function.

gnomAD v4.1: 5 of 1,614,120 alleles (0.00031%); highest among the groups gnomAD compares: South Asian, 0.0011%; no homozygotes.

Submissions (4):

Ambry Genetics
Classification: Pathogenic for Cardiovascular phenotype. Last evaluated: 2025-08-12. Review status: criteria provided, single submitter. Criteria: Ambry Variant Classification Scheme 2023. Collection method: clinical testing. Allele origin: germline.
Comment: The p.R197L pathogenic mutation (also known as c.590G>T), located in coding exon 5 of the LPL gene, results from a G to T substitution at nucleotide position 590. The arginine at codon 197 is replaced by leucine, an amino acid with dissimilar properties. This mutation (also described as p.R170L) has been reported in unrelated homozygous and compound heterozygous individuals with severe hypertrigyceridemia (Brites F et al. Acta Paediatr., 2003 May;92:621-4; Rabacchi C et al. Atherosclerosis, 2015 Jul;241:79-86). This amino acid position is well conserved in available vertebrate species. In addition, this alteration is predicted to be deleterious by in silico analysis. This variant is considered to be rare based on population cohorts in the Genome Aggregation Database (gnomAD). Based on the supporting evidence, this variant is interpreted as a disease-causing mutation.

Labcorp Genetics (formerly Invitae), Labcorp
Classification: Pathogenic. Last evaluated: 2022-11-20. Review status: criteria provided, single submitter. Criteria: Invitae Variant Classification Sherloc (09022015). Collection method: clinical testing. Allele origin: germline.
Comment: For these reasons, this variant has been classified as Pathogenic. This variant disrupts the p.Arg197 amino acid residue in LPL. Other variant(s) that disrupt this residue have been determined to be pathogenic (PMID: 25966443; Invitae). This suggests that this residue is clinically significant, and that variants that disrupt this residue are likely to be disease-causing. Advanced modeling of protein sequence and biophysical properties (such as structural, functional, and spatial information, amino acid conservation, physicochemical variation, residue mobility, and thermodynamic stability) performed at Invitae indicates that this missense variant is expected to disrupt LPL protein function. ClinVar contains an entry for this variant (Variation ID: 1452072). This variant is also known as R170L. This missense change has been observed in individual(s) with clinical features of chylomicronemia (PMID: 12839295, 25966443). This variant is present in population databases (rs372668179, gnomAD 0.0009%). This sequence change replaces arginine, which is basic and polar, with leucine, which is neutral and non-polar, at codon 197 of the LPL protein (p.Arg197Leu).

Blueprint Genetics
Classification: Pathogenic for LPL-related disorders. Last evaluated: 2021-04-14. Review status: criteria provided, single submitter. Criteria: ACMG Guidelines, 2015. Collection method: clinical testing. Allele origin: germline. Affected: yes. Observed: 3 variant alleles.

Cardiovascular Genetics Laboratory, PathWest Laboratory Medicine WA - Fiona Stanley Hospital
Classification: Likely pathogenic for Hyperlipoproteinemia, type I. Last evaluated: 2022-04-05. Review status: no assertion criteria provided. Criteria: ACMG Guidelines, 2015. Collection method: clinical testing. Allele origin: germline. Not counted in ClinVar's aggregate classification.

Literature cited by the submitters: PubMed 12839295 (cited by Ambry Genetics and Labcorp Genetics (formerly Invitae), Labcorp); PubMed 25966443 (cited by Ambry Genetics and Labcorp Genetics (formerly Invitae), Labcorp); PubMed 27055971 (cited by Ambry Genetics).

NM_000237.3(LPL):c.590G>T (p.Arg197Leu)

Gene: LPL (lipoprotein lipase; plus strand). Cytogenetic location: 8p21.3.
Variant type: single nucleotide variant.
Coding change: c.590G>T on transcript NM_000237.3 (MANE Select); coding-DNA position 590, G replaced by T.
Protein change: p.Arg197Leu; replaces arginine 197 with leucine.
Molecular consequence: missense variant.
Genome position (GRCh38, 1-based): chr8:19,954,168, G>T. VCF-style: chr8-19954168-G-T. GRCh37 (hg19) VCF-style: chr8-19811679-G-T.
Other names: c.590G>T (NM_000237.2); short protein forms R197L.
Identifiers: ClinVar variation 1452072 (VCV001452072.9), dbSNP rs372668179, ClinGen allele CA4655477.
Genomic context (GRCh38, chr8:19,954,168, plus strand): 5'-TTCCCTTTTAAGGCCTCGATCCAGCTGGACCTAACTTTGAGTATGCAGAAGCCCCGAGTC[G>T]TCTTTCTCCTGATGATGCAGATTTTGTAGACGTCTTACACACATTCACCAGAGGGTCCCC-3'
Protein context (NP_000228.1, residues 187-207): PNFEYAEAPS[Arg197Leu]LSPDDADFVD